The following is an entry in ClinVar:

ClinVar aggregate classification (germline): Uncertain significance (1 of 4 stars; one submission).

Submission:

GeneDx
Classification: Uncertain significance. Last evaluated: 2022-05-03. Review status: criteria provided, single submitter. Criteria: GeneDx Variant Classification Process June 2021. Collection method: clinical testing. Allele origin: germline. Affected: yes.
Comment: Not observed at significant frequency in large population cohorts (gnomAD); In silico analysis supports that this missense variant does not alter protein structure/function; Has not been previously published as pathogenic or benign to our knowledge

NM_001128840.3(CACNA1D):c.191A>G (p.Lys64Arg)

Gene: CACNA1D (calcium voltage-gated channel subunit alpha1 D; plus strand). Cytogenetic location: 3p21.1.
Variant type: single nucleotide variant.
Coding change: c.191A>G on transcript NM_001128840.3 (MANE Select); coding-DNA position 191, A replaced by G.
Protein change: p.Lys64Arg; replaces lysine 64 with arginine.
Molecular consequence: missense variant.
Genome position (GRCh38, 1-based): chr3:53,497,275, A>G. VCF-style: chr3-53497275-A-G. GRCh37 (hg19) VCF-style: chr3-53531302-A-G.
Other names: c.191A>G, p.Lys64Arg (NM_000720.4, NM_001128839.3); short protein forms K64R.
Identifiers: ClinVar variation 1723115 (VCV001723115.2), dbSNP rs2107070651, ClinGen allele CA353381935.
Genomic context (GRCh38, chr3:53,497,275, plus strand): 5'-ATAGCTCCAAGCAAACTGTCCTGTCTTGGCAAGCTGCAATCGATGCTGCTAGACAGGCCA[A>G]GGCTGCCCAAACTATGAGCACCTCTGCACCCCCACCTGTAGGATCTCTCTCCCAAAGAAA-3'
Protein context (NP_001122312.1, residues 54-74): QAAIDAARQA[Lys64Arg]AAQTMSTSAP